The following is an entry in ClinVar:

NM_001367721.1(CASK):c.708+2dup

Gene: CASK (calcium/calmodulin dependent serine protein kinase; minus strand). Cytogenetic location: Xp11.4.
Variant type: Duplication.
Coding change: c.708+2dup on transcript NM_001367721.1 (MANE Select); the canonical splice donor site of the intron after coding-DNA position 708, one base duplicated (T; older notation c.708+2dupT).
Molecular consequence: splice donor variant.
Genome position (GRCh38, 1-based): chrX:41,665,275, A duplicated on the plus strand (T on the coding strand, the reverse complement: CASK is on the minus strand). VCF-style (leftmost placement, unchanged base first): chrX-41665274-T-TA. GRCh37 (hg19) VCF-style: chrX-41524527-T-TA.
Other names: c.708+2dup (NM_001126055.3, NM_001410745.1, NM_001126054.3 and 1 more transcripts).
Identifiers: ClinVar variation 2572877 (VCV002572877.2), dbSNP rs2519215522, ClinGen allele CA2580617006.

ClinVar aggregate classification (germline): Uncertain significance (1 of 4 stars; one submission).

Submission:

GeneDx
Classification: Uncertain significance. Last evaluated: 2023-12-17. Review status: criteria provided, single submitter. Criteria: GeneDx Variant Classification Process June 2021. Collection method: clinical testing. Allele origin: germline. Affected: yes.
Comment: Not observed at significant frequency in large population cohorts (gnomAD); In silico analysis supports a deleterious effect on splicing; Has not been previously published as pathogenic or benign to our knowledge